The following is an entry in ClinVar:

ClinVar aggregate classification (germline): Uncertain significance (1 of 4 stars; one submission).

Conditions:
Fanconi anemia (FA). Also called: Fanconi's anemia. Identifiers: Orphanet 84, MedGen C0015625, MeSH D005199, MONDO:0019391.

Allele frequency attached by ClinVar (database versions not stated): gnomAD exomes below 0.00001; ExAC 0.00001; gnomAD 0.00001.
gnomAD v4.1: 2 of 1,612,812 alleles (0.00012%); highest among the groups gnomAD compares: African/African-American, 0.0027%; no homozygotes.

Submission:

Labcorp Genetics (formerly Invitae), Labcorp
Classification: Uncertain significance for Fanconi anemia. Last evaluated: 2022-08-02. Review status: criteria provided, single submitter. Criteria: Invitae Variant Classification Sherloc (09022015). Collection method: clinical testing. Allele origin: germline.
Comment: Advanced modeling of protein sequence and biophysical properties (such as structural, functional, and spatial information, amino acid conservation, physicochemical variation, residue mobility, and thermodynamic stability) performed at Invitae indicates that this missense variant is not expected to disrupt FANCA protein function. In summary, the available evidence is currently insufficient to determine the role of this variant in disease. Therefore, it has been classified as a Variant of Uncertain Significance. This sequence change replaces serine, which is neutral and polar, with proline, which is neutral and non-polar, at codon 626 of the FANCA protein (p.Ser626Pro). This variant is not present in population databases (gnomAD no frequency). This variant has not been reported in the literature in individuals affected with FANCA-related conditions.

NM_000135.4(FANCA):c.1876T>C (p.Ser626Pro)

Gene: FANCA (FA complementation group A; minus strand). Cytogenetic location: 16q24.3.
Variant type: single nucleotide variant.
Coding change: c.1876T>C on transcript NM_000135.4 (MANE Select); coding-DNA position 1876, T replaced by C.
Protein change: p.Ser626Pro; replaces serine 626 with proline.
Molecular consequence: missense variant.
Genome position (GRCh38, 1-based): chr16:89,775,766, A>G on the plus strand (T>C on the coding strand, the complement: FANCA is on the minus strand). VCF-style: chr16-89775766-A-G. GRCh37 (hg19) VCF-style: chr16-89842174-A-G.
Other names: c.1876T>C, p.Ser626Pro (NM_001286167.3); short protein forms S626P.
Identifiers: ClinVar variation 2173393 (VCV002173393.4), dbSNP rs767925383, ClinGen allele CA8251993.